The following is an entry in ClinVar:

ClinVar aggregate classification (germline): Pathogenic (1 of 4 stars; one submission).

Submission:

Labcorp Genetics (formerly Invitae), Labcorp
Classification: Pathogenic. Last evaluated: 2022-06-27. Review status: criteria provided, single submitter. Criteria: Invitae Variant Classification Sherloc (09022015). Collection method: clinical testing. Allele origin: germline.
Comment: For these reasons, this variant has been classified as Pathogenic. This variant has not been reported in the literature in individuals affected with ERCC6-related conditions. This variant is not present in population databases (gnomAD no frequency). This sequence change creates a premature translational stop signal (p.Glu1109*) in the ERCC6 gene. It is expected to result in an absent or disrupted protein product. Loss-of-function variants in ERCC6 are known to be pathogenic (PMID: 18628313, 29572252).

Literature cited by the submitters: PubMed 18628313; PubMed 29572252.

NM_000124.4(ERCC6):c.3325G>T (p.Glu1109Ter)

Gene: ERCC6 (ERCC excision repair 6, chromatin remodeling factor; minus strand). Cytogenetic location: 10q11.23.
Variant type: single nucleotide variant.
Coding change: c.3325G>T on transcript NM_000124.4 (MANE Select); coding-DNA position 3325, G replaced by T.
Protein change: p.Glu1109Ter; replaces glutamic acid 1109 with a stop codon.
Molecular consequence: nonsense.
Genome position (GRCh38, 1-based): chr10:49,470,635, C>A on the plus strand (G>T on the coding strand, the complement: ERCC6 is on the minus strand). VCF-style: chr10-49470635-C-A. GRCh37 (hg19) VCF-style: chr10-50678681-C-A.
Other names: c.3325G>T, p.Glu1109Ter (NM_001346440.2); short protein forms E1109*.
Identifiers: ClinVar variation 1969929 (VCV001969929.5), dbSNP rs2495972526, ClinGen allele CA376715694.